The following is an entry in ClinVar:

ClinVar aggregate classification (germline): Conflicting classifications of pathogenicity. Review status: criteria provided, conflicting classifications (1 of 4 stars). 9 submissions from 9 submitters: Uncertain significance (1); Likely benign (8). Last evaluated 2025-12-23.

Conditions:
BRCA2-related cancer predisposition. Identifiers: MedGen CN377758, MONDO:0700269.
Hereditary cancer-predisposing syndrome. Also called: Neoplastic Syndromes, Hereditary; Hereditary Cancer Syndrome; Tumor predisposition; Hereditary neoplastic syndrome. Identifiers: Orphanet 140162, MedGen C0027672, MeSH D009386, MONDO:0015356.
Hereditary breast ovarian cancer syndrome. Also called: Hereditary breast and/or ovarian cancer syndrome; Hereditary breast and ovarian cancer syndrome (HBOC); Hereditary breast and ovarian cancer syndrome; Hereditary breast and ovarian cancer; Breast and ovarian cancer; BRCA1- and BRCA2-Associated Hereditary Breast and Ovarian Cancer. Identifiers: Orphanet 145, MedGen C0677776, MeSH D061325, MONDO:0003582. Disease mechanism: loss of function.

Allele frequency attached by ClinVar (database versions not stated): gnomAD exomes 0.00002 and 0.00005; TOPMed 0.00002; ExAC 0.00004.
gnomAD v4.1: 11 of 1,599,826 alleles (0.00069%); highest among the groups gnomAD compares: Admixed American, 0.019%; no homozygotes.

Submissions (9):

Labcorp Genetics (formerly Invitae), Labcorp
Classification: Likely benign for Hereditary breast ovarian cancer syndrome. Last evaluated: 2025-12-23. Review status: criteria provided, single submitter. Criteria: Invitae Variant Classification Sherloc (09022015). Collection method: clinical testing. Allele origin: germline.

All of Us Research Program, National Institutes of Health
Classification: Likely benign for BRCA2-related cancer predisposition. Last evaluated: 2024-05-14. Review status: criteria provided, single submitter. Criteria: ACMG Guidelines, 2015. Collection method: clinical testing. Allele origin: germline. Inheritance: Autosomal dominant inheritance. Observed: 4 variant alleles, 4 heterozygotes.
Comment: This study involves interpretation of variants in research participants for the purpose of population health screening. Participant phenotype was not available at the time of variant classification. Additional details can be found in publication PMID: 35346344, PMCID: PMC8962531

Quest Diagnostics Nichols Institute San Juan Capistrano
Classification: Likely benign. Last evaluated: 2024-04-12. Review status: criteria provided, single submitter. Criteria: Quest Diagnostics criteria. Collection method: clinical testing. Allele origin: unknown.

Women's Health and Genetics/Laboratory Corporation of America, LabCorp
Classification: Likely benign. Last evaluated: 2023-08-29. Review status: criteria provided, single submitter. Criteria: LabCorp Variant Classification Summary - May 2015. Collection method: clinical testing. Allele origin: germline.
Comment: Variant summary: BRCA2 c.796T>C (p.Phe266Leu) results in a non-conservative amino acid change in the encoded protein sequence. Three of four in-silico tools predict a benign effect of the variant on protein function. Consensus agreement among computation tools predict no significant impact on normal splicing. However, these predictions have yet to be confirmed by functional studies. The variant allele was found at a frequency of 4.5e-05 in 243756 control chromosomes, predominantly at a frequency of 0.00033 within the Latino subpopulation in the gnomAD database. This frequency is not significantly higher than estimated for a pathogenic variant in BRCA2 causing Hereditary Breast And Ovarian Cancer Syndrome (4.5e-05 vs 0.00075), allowing no conclusion about variant significance. These report(s) do not provide unequivocal conclusions about association of the variant with Hereditary Breast And Ovarian Cancer Syndrome. At least two recent publications report experimental evidence evaluating an impact on protein function (example, Ikegami_2020, Biswas_2020). These results showed no damaging effect of this variant based on experimental systems evaluating sensitivity to platinum-based chemotherapies and poly (ADP-ribose) polymerase (PARP) inhibitors, the efficacy of which is mediated through synthetic lethality in cancer cells with BRCA loss-of function. The following publications have been ascertained in the context of this evaluation (PMID: 33293522, 26543556, 32444794). Six submitters have cited clinical-significance assessments for this variant to ClinVar after 2014 with a predominant consensus as likely benign (n=5, VUS, n=1). Based on the evidence outlined above, the variant was classified as likely benign.

University of Washington Department of Laboratory Medicine, University of Washington
Classification: Likely benign for Hereditary cancer-predisposing syndrome. Last evaluated: 2023-03-23. Review status: criteria provided, single submitter. Criteria: Dines et al. (Genet Med. 2020). Collection method: curation. Allele origin: germline.
Comment: Missense variant in a coldspot region where missense variants are very unlikely to be pathogenic (PMID:31911673).

BRCA2 exon 10 coldspot. Reclassification based on statistical prior probability.

Blueprint Genetics
Classification: Uncertain significance. Last evaluated: 2022-03-24. Review status: criteria provided, single submitter. Criteria: ACMG Guidelines, 2015. Collection method: clinical testing. Allele origin: germline.

GeneDx
Classification: Likely benign. Last evaluated: 2018-07-09. Review status: criteria provided, single submitter. Criteria: GeneDx Variant Classification Process June 2021. Collection method: clinical testing. Allele origin: germline. Affected: yes.
Comment: This variant is associated with the following publications: (PMID: 26543556)

Ambry Genetics
Classification: Likely benign for Hereditary cancer-predisposing syndrome. Last evaluated: 2018-04-02. Review status: criteria provided, single submitter. Criteria: Ambry Variant Classification Scheme 2023. Collection method: clinical testing. Allele origin: germline.

Color Diagnostics, LLC DBA Color Health
Classification: Likely benign for Hereditary cancer-predisposing syndrome. Last evaluated: 2017-01-10. Review status: criteria provided, single submitter. Criteria: ACMG Guidelines, 2015. Collection method: clinical testing. Allele origin: germline.

Literature cited by the submitters: PubMed 33471991 (cited by Quest Diagnostics Nichols Institute San Juan Capistrano); PubMed 26543556 (cited by Quest Diagnostics Nichols Institute San Juan Capistrano and Women's Health and Genetics/Laboratory Corporation of America, LabCorp); PubMed 32444794 (cited by Quest Diagnostics Nichols Institute San Juan Capistrano and Women's Health and Genetics/Laboratory Corporation of America, LabCorp); PubMed 33293522 (cited by Quest Diagnostics Nichols Institute San Juan Capistrano and Women's Health and Genetics/Laboratory Corporation of America, LabCorp); PubMed 31911673 (cited by Quest Diagnostics Nichols Institute San Juan Capistrano).

NM_000059.4(BRCA2):c.796T>C (p.Phe266Leu)

Gene: BRCA2 (BRCA2 DNA repair associated; plus strand). Cytogenetic location: 13q13.1.
Variant type: single nucleotide variant.
Coding change: c.796T>C on transcript NM_000059.4 (MANE Select); coding-DNA position 796, T replaced by C.
Protein change: p.Phe266Leu; replaces phenylalanine 266 with leucine.
Molecular consequence: missense variant.
Genome position (GRCh38, 1-based): chr13:32,332,274, T>C. VCF-style: chr13-32332274-T-C. GRCh37 (hg19) VCF-style: chr13-32906411-T-C.
Other names: short protein forms F266L.
Identifiers: ClinVar variation 142396 (VCV000142396.29), dbSNP rs587782433, ClinGen allele CA025359.